The following is an entry in ClinVar:

ClinVar aggregate classification (germline): Uncertain significance (1 of 4 stars; one submission).

Conditions:
Primary dilated cardiomyopathy (DCM). Also called: Dilated Cardiomyopathy. Identifiers: Orphanet 217604, MedGen C0007193, MeSH D002311, MONDO:0005021, HP:0001644. Inheritance: Various modes of inheritance.

Submission:

Labcorp Genetics (formerly Invitae), Labcorp
Classification: Uncertain significance for Primary dilated cardiomyopathy. Last evaluated: 2022-02-01. Review status: criteria provided, single submitter. Criteria: Invitae Variant Classification Sherloc (09022015). Collection method: clinical testing. Allele origin: germline.
Comment: In summary, the available evidence is currently insufficient to determine the role of this variant in disease. Therefore, it has been classified as a Variant of Uncertain Significance. Algorithms developed to predict the effect of missense changes on protein structure and function are either unavailable or do not agree on the potential impact of this missense change (SIFT: "Tolerated"; PolyPhen-2: "Probably Damaging"; Align-GVGD: "Class C0"). ClinVar contains an entry for this variant (Variation ID: 963327). This variant has not been reported in the literature in individuals affected with NEBL-related conditions. This variant is not present in population databases (gnomAD no frequency). This sequence change replaces proline, which is neutral and non-polar, with leucine, which is neutral and non-polar, at codon 848 of the NEBL protein (p.Pro848Leu).

NM_006393.3(NEBL):c.2543C>T (p.Pro848Leu)

Gene: NEBL (nebulette; minus strand). Cytogenetic location: 10p12.31.
Variant type: single nucleotide variant.
Coding change: c.2543C>T on transcript NM_006393.3 (MANE Select); coding-DNA position 2543, C replaced by T.
Protein change: p.Pro848Leu; replaces proline 848 with leucine.
Molecular consequence: missense variant. On other transcripts: intron variant (8).
Genome position (GRCh38, 1-based): chr10:20,809,874, G>A on the plus strand (C>T on the coding strand, the complement: NEBL is on the minus strand). VCF-style: chr10-20809874-G-A. GRCh37 (hg19) VCF-style: chr10-21098803-G-A.
Other names: c.554C>T, p.Pro185Leu (NM_001377322.1); c.421+2895C>T (NM_001377326.1, NM_001377327.1, NM_001377328.1); c.529+2895C>T (NM_213569.2, NM_001173484.2); c.472+2895C>T (NM_001377324.1); c.463+2895C>T (NM_001377325.1); c.481+2895C>T (NM_001377323.1); short protein forms P848L, P185L.
Identifiers: ClinVar variation 963327 (VCV000963327.10), dbSNP rs1837961214, ClinGen allele CA376093103.